The following is an entry in ClinVar:

ClinVar aggregate classification (germline): Uncertain significance (1 of 4 stars; one submission).

Conditions:
Lethal congenital glycogen storage disease of heart. Also called: GLYCOGEN STORAGE DISEASE OF HEART; PHOSPHORYLASE KINASE DEFICIENCY OF HEART. Identifiers: Orphanet 439854, MedGen C1849813, MONDO:0009867, OMIM 261740.

Submission:

Labcorp Genetics (formerly Invitae), Labcorp
Classification: Uncertain significance for Lethal congenital glycogen storage disease of heart. Last evaluated: 2017-11-21. Review status: criteria provided, single submitter. Criteria: Invitae Variant Classification Sherloc (09022015). Collection method: clinical testing. Allele origin: germline.
Comment: This sequence change replaces glycine with glutamic acid at codon 201 of the PRKAG2 protein (p.Gly201Glu). The glycine residue is moderately conserved and there is a moderate physicochemical difference between glycine and glutamic acid. This variant is not present in population databases (ExAC no frequency). This variant has not been reported in the literature in individuals with PRKAG2-related disease. Algorithms developed to predict the effect of missense changes on protein structure and function do not agree on the potential impact of this missense change (SIFT: "Deleterious"; PolyPhen-2: "Possibly Damaging"; Align-GVGD: "Class C0"). In summary, the available evidence is currently insufficient to determine the role of this variant in disease. Therefore, it has been classified as a Variant of Uncertain Significance.

NM_016203.4(PRKAG2):c.602G>A (p.Gly201Glu)

Gene: PRKAG2 (protein kinase AMP-activated non-catalytic subunit gamma 2; minus strand). Cytogenetic location: 7q36.1.
Variant type: single nucleotide variant.
Coding change: c.602G>A on transcript NM_016203.4 (MANE Select); coding-DNA position 602, G replaced by A.
Protein change: p.Gly201Glu; replaces glycine 201 with glutamic acid.
Molecular consequence: missense variant.
Genome position (GRCh38, 1-based): chr7:151,675,502, C>T on the plus strand (G>A on the coding strand, the complement: PRKAG2 is on the minus strand). VCF-style: chr7-151675502-C-T. GRCh37 (hg19) VCF-style: chr7-151372588-C-T.
Other names: c.470G>A, p.Gly157Glu (NM_001040633.2); c.230G>A, p.Gly77Glu (NM_001304527.2, NM_001363698.2); short protein forms G201E, G157E, G77E.
Identifiers: ClinVar variation 533877 (VCV000533877.8), dbSNP rs1554530705, ClinGen allele CA370187519.